The following is an entry in ClinVar:

ClinVar aggregate classification (germline): Uncertain significance (1 of 4 stars; one submission).

gnomAD v4.1: 16 of 1,614,202 alleles (0.00099%); highest among the groups gnomAD compares: African/African-American, 0.02%; no homozygotes.

Submission:

CeGaT Center for Human Genetics Tuebingen
Classification: Uncertain significance. Last evaluated: 2025-05-01. Review status: criteria provided, single submitter. Criteria: CeGaT Center For Human Genetics Tuebingen Variant Classification Criteria Version 2. Collection method: clinical testing. Allele origin: germline. Affected: yes. Observed: 1 variant allele.
Comment: MMP21: PM2

NM_147191.1(MMP21):c.749C>G (p.Ala250Gly)

Gene: MMP21 (matrix metallopeptidase 21; minus strand). Cytogenetic location: 10q26.2.
Variant type: single nucleotide variant.
Coding change: c.749C>G on transcript NM_147191.1 (MANE Select); coding-DNA position 749, C replaced by G.
Protein change: p.Ala250Gly; replaces alanine 250 with glycine.
Molecular consequence: missense variant.
Genome position (GRCh38, 1-based): chr10:125,772,699, G>C on the plus strand (C>G on the coding strand, the complement: MMP21 is on the minus strand). VCF-style: chr10-125772699-G-C. GRCh37 (hg19) VCF-style: chr10-127461268-G-C.
Other names: short protein forms A250G.
Identifiers: ClinVar variation 3905567 (VCV003905567.10).